The following is an entry in ClinVar:

ClinVar aggregate classification (germline): Uncertain significance (1 of 4 stars; one submission).

gnomAD v4.1: 28 of 1,613,716 alleles (0.0017%); highest among the groups gnomAD compares: Non-Finnish European, 0.0023%; no homozygotes.

Submission:

Labcorp Genetics (formerly Invitae), Labcorp
Classification: Uncertain significance. Last evaluated: 2025-06-17. Review status: criteria provided, single submitter. Criteria: Invitae Variant Classification Sherloc (09022015). Collection method: clinical testing. Allele origin: germline.
Comment: This sequence change replaces tryptophan, which is neutral and slightly polar, with serine, which is neutral and polar, at codon 873 of the TAOK2 protein (p.Trp873Ser). This variant is present in population databases (rs770242526, gnomAD 0.003%). This variant has not been reported in the literature in individuals affected with TAOK2-related conditions. ClinVar contains an entry for this variant (Variation ID: 3629128). An algorithm developed to predict the effect of missense changes on protein structure and function (PolyPhen-2) suggests that this variant is likely to be disruptive. In summary, the available evidence is currently insufficient to determine the role of this variant in disease. Therefore, it has been classified as a Variant of Uncertain Significance.

NM_016151.4(TAOK2):c.2618G>C (p.Trp873Ser)

Gene: TAOK2 (TAO kinase 2; plus strand). Cytogenetic location: 16p11.2.
Variant type: single nucleotide variant.
Coding change: c.2618G>C on transcript NM_016151.4 (MANE Select); coding-DNA position 2618, G replaced by C.
Protein change: p.Trp873Ser; replaces tryptophan 873 with serine.
Molecular consequence: missense variant. On other transcripts: intron variant (1).
Genome position (GRCh38, 1-based): chr16:29,986,890, G>C. VCF-style: chr16-29986890-G-C. GRCh37 (hg19) VCF-style: chr16-29998211-G-C.
Other names: c.2279G>C, p.Trp760Ser (NM_001252043.2); c.2232+386G>C (NM_004783.4); short protein forms W760S, W873S.
Identifiers: ClinVar variation 3629128 (VCV003629128.2).